The following is an entry in ClinVar:

ClinVar aggregate classification (germline): Uncertain significance (1 of 4 stars; one submission).

gnomAD v4.1: 32 of 1,574,396 alleles (0.002%); highest among the groups gnomAD compares: Non-Finnish European, 0.0026%; no homozygotes.

Submission:

Labcorp Genetics (formerly Invitae), Labcorp
Classification: Uncertain significance. Last evaluated: 2025-07-20. Review status: criteria provided, single submitter. Criteria: Invitae Variant Classification Sherloc (09022015). Collection method: clinical testing. Allele origin: germline.
Comment: This sequence change replaces glutamic acid, which is acidic and polar, with aspartic acid, which is acidic and polar, at codon 782 of the INTU protein (p.Glu782Asp). This variant is present in population databases (rs770804948, gnomAD 0.004%). This variant has not been reported in the literature in individuals affected with INTU-related conditions. ClinVar contains an entry for this variant (Variation ID: 3713101). Invitae Evidence Modeling of protein sequence and biophysical properties (such as structural, functional, and spatial information, amino acid conservation, physicochemical variation, residue mobility, and thermodynamic stability) indicates that this missense variant is not expected to disrupt INTU protein function with a negative predictive value of 80%. In summary, the available evidence is currently insufficient to determine the role of this variant in disease. Therefore, it has been classified as a Variant of Uncertain Significance.

NM_015693.4(INTU):c.2346A>T (p.Glu782Asp)

Genes: INTU (inturned planar cell polarity protein; plus strand), LOC123480930 (P300/CBP strongly-dependent group 1 enhancer GRCh37_chr4:128629462-128630661; plus strand). Cytogenetic location: 4q28.1.
Variant type: single nucleotide variant.
Coding change: c.2346A>T on transcript NM_015693.4 (MANE Select); coding-DNA position 2346, A replaced by T.
Protein change: p.Glu782Asp; replaces glutamic acid 782 with aspartic acid.
Molecular consequence: missense variant.
Genome position (GRCh38, 1-based): chr4:127,708,645, A>T. VCF-style: chr4-127708645-A-T. GRCh37 (hg19) VCF-style: chr4-128629800-A-T.
Other names: short protein forms E782D.
Identifiers: ClinVar variation 3713101 (VCV003713101.2).